The following continues an entry in ClinVar:

NM_000059.4(BRCA2):c.1310_1313del (p.Lys437fs)

Gene: BRCA2. ClinVar aggregate classification (germline): Pathogenic. Pathogenic (1).

Submissions 25 to 43 of 43:

Women's Health and Genetics/Laboratory Corporation of America, LabCorp
Classification: Pathogenic for Hereditary breast ovarian cancer syndrome. Last evaluated: 2017-05-01. Review status: criteria provided, single submitter. Criteria: LabCorp Variant Classification Summary - May 2015. Collection method: clinical testing. Allele origin: germline. Not counted in ClinVar's aggregate classification.
Comment: Variant summary: The BRCA2 c.1310_1313delAAGA (p.Lys437Ilefs) variant results in a premature termination codon, predicted to cause a truncated or absent BRCA2 protein due to nonsense mediated decay, which are commonly known mechanisms for disease. Truncations downstream of this position have been classified as pathogenic by our laboratory (e.g.c.1456C>T (p.Gln486X) and c.1654delT (p.Ser552fs)). This variant was found in 1/120430 control chromosomes at a frequency of 0.0000083, which does not exceed the estimated maximal expected allele frequency of a pathogenic BRCA2 variant (0.0007503). This variant has been reported in multiple HBOC patients. In addition, multiple clinical diagnostic laboratories/reputable databases classified this variant as pathogenic. Taken together, this variant is classified as pathogenic.

Genologica Medica
Classification: Pathogenic for Breast-ovarian cancer, familial, susceptibility to, 2. Last evaluated: 2017-01-01. Review status: criteria provided, single submitter. Criteria: ACMG Guidelines, 2015. Collection method: clinical testing. Allele origin: germline. Affected: yes. Not counted in ClinVar's aggregate classification.

Consortium of Investigators of Modifiers of BRCA1/2 (CIMBA), c/o University of Cambridge
Classification: Pathogenic for Breast-ovarian cancer, familial, susceptibility to, 2. Last evaluated: 2015-10-02. Review status: criteria provided, single submitter. Criteria: CIMBA Mutation Classification guidelines May 2016. Collection method: clinical testing. Allele origin: germline. Not counted in ClinVar's aggregate classification.

Clinical Genetics DNA and cytogenetics Diagnostics Lab, Erasmus MC, Erasmus Medical Center
Classification: Pathogenic for Breast-ovarian cancer, familial, susceptibility to, 2. Last evaluated: 2015-09-21. Review status: criteria provided, single submitter. Criteria: ACGS Guidelines, 2013. Collection method: clinical testing. Allele origin: germline. Affected: yes. Study: VKGL Data-share Consensus. Not counted in ClinVar's aggregate classification.

Eurofins Ntd Llc (ga)
Classification: Pathogenic. Last evaluated: 2014-12-23. Review status: criteria provided, single submitter. Criteria: EGL Classification Definitions 2015. Collection method: clinical testing. Allele origin: germline. Observed: 1 variant allele, 1 heterozygote. Not counted in ClinVar's aggregate classification.

Clinical Genetics and Genomics, Karolinska University Hospital
Classification: Pathogenic. Last evaluated: 2014-06-16. Review status: criteria provided, single submitter. Criteria: ACMG Guidelines, 2015. Collection method: clinical testing. Allele origin: germline. Affected: yes. Observed: 25 variant alleles. Not counted in ClinVar's aggregate classification.

Biomedical Genomics and Oncogenetics Laboratory, Institut Pasteur de Tunis, University Tunis El Manar
Classification: Pathogenic for Breast-ovarian cancer, familial, susceptibility to, 2. Review status: criteria provided, single submitter. Criteria: ACMG Guidelines, 2015. Collection method: clinical testing. Allele origin: germline. Affected: yes. Observed: 10 variant alleles. Not counted in ClinVar's aggregate classification.

University of Science and Technology Houari Boumediene, Laboratory of Molecular and Cellular Biology (LBCM)
Classification: Pathogenic for Breast-ovarian cancer, familial, susceptibility to, 2. Review status: criteria provided, single submitter. Criteria: ACMG Guidelines, 2015. Collection method: clinical testing. Allele origin: germline. Inheritance: Autosomal dominant inheritance. Affected: yes. Observed: 1 heterozygote. Not counted in ClinVar's aggregate classification.

Diagnostics Centre, Carl Von Ossietzky University Oldenburg
Classification: Pathogenic for Familial cancer of breast. Last evaluated: 2023-08-21. Review status: no assertion criteria provided. Collection method: clinical testing. Allele origin: germline. Affected: yes. Observed: 1 variant allele. Not counted in ClinVar's aggregate classification.
Comment: The variant BRCA2:c.1310_1313delAAGA, p.(Lys437Ilefs), which is located in the coding exon 10 of the BRCA2 gene, results from a deletion of 4 nucleotides at nucleotide positions 1310 - 1313 which is suggested to cause a frameshifth. The lysine at protein position 437 is replaced by isoleucine and is followed by a premature stop codon after 22 additional amino acids. The premature stop codon is predicted to cause non-sense mediated decay and a truncated or absent of the gene product. The variant is classified as very rare with an allele frequency on the overall population= 0.000033 (gnomAD V3.1.2). The variant has already detected in numerous breast cancer/ovarian cancer affected individuals (PMID: 20104584, 28577564, 33726785, 26843898) and was including as a founder mutation in several populations (PMID: 12955716, 18465347, 22144684, 22217648). There are 30 entries for this variant as pathogenic in ClinVar (VCV000037737.57). The variant is classified as Pathogenic.

BRCAlab, Lund University
Classification: Pathogenic for Breast-ovarian cancer, familial, susceptibility to, 2. Last evaluated: 2022-08-26. Review status: no assertion criteria provided. Collection method: clinical testing. Allele origin: germline. Affected: yes. Not counted in ClinVar's aggregate classification.

German Consortium for Hereditary Breast and Ovarian Cancer, University Hospital Cologne
Classification: Pathogenic for Ovarian neoplasm. Last evaluated: 2018-12-01. Review status: no assertion criteria provided. Collection method: research. Allele origin: somatic. Affected: yes. Not counted in ClinVar's aggregate classification.

Counsyl
Classification: Pathogenic for Breast-ovarian cancer, familial 2. Last evaluated: 2015-01-28. Review status: no assertion criteria provided. Collection method: literature only. Allele origin: unknown. Inheritance: Autosomal dominant inheritance. Not counted in ClinVar's aggregate classification.

Research Molecular Genetics Laboratory, Women's College Hospital, University of Toronto
Classification: Pathogenic for Hereditary breast ovarian cancer syndrome. Last evaluated: 2014-01-31. Review status: no assertion criteria provided. Collection method: research. Allele origin: germline. Affected: yes. Study: The Canadian Open Genetics Repository (COGR). Not counted in ClinVar's aggregate classification.

Sharing Clinical Reports Project (SCRP)
Classification: Pathogenic for Breast-ovarian cancer, familial 2. Last evaluated: 2012-10-04. Review status: no assertion criteria provided. Collection method: clinical testing. Allele origin: germline. Not counted in ClinVar's aggregate classification.

Breast Cancer Information Core (BIC) (BRCA2)
Classification: Pathogenic for Breast-ovarian cancer, familial 2. Last evaluated: 2002-05-29. Review status: no assertion criteria provided. Collection method: clinical testing. Allele origin: germline. Affected: yes. Observed: 11 variant alleles. Not counted in ClinVar's aggregate classification.

Clinical Genetics Laboratory, Department of Pathology, Netherlands Cancer Institute
Classification: Pathogenic. Review status: no assertion criteria provided. Collection method: clinical testing. Allele origin: germline. Affected: yes. Study: VKGL Data-share Consensus. Not counted in ClinVar's aggregate classification.

Department of Pathology and Laboratory Medicine, Sinai Health System
Classification: Pathogenic for Malignant tumor of breast. Review status: no assertion criteria provided. Collection method: clinical testing. Allele origin: unknown. Affected: yes. Study: The Canadian Open Genetics Repository (COGR). Not counted in ClinVar's aggregate classification.
Comment: The p.Lys437IlefsX22 deletion variant has been reported in the literature in 2/3156 proband chromosomes of individuals with hereditary breast and/or ovarian cancer (HBOC). However, no control chromosomes were evaluated (Caux-Moncoutier_2009, Caux-Moncoutier_2011). The variant was also identified in the UMD database (34x) as "causal" and in the BIC database (10x) as having "clinical importance". This deletion is predicted to cause a frameshift, which alters the protein's amino acid sequence beginning at codon 437 and leads to a premature stop codon 22 codons downstream. This alteration is then predicted to result in a truncated or absent protein and loss of function. Loss of function variants in the BRCA2 gene are an established disease mechanism in hereditary breast and ovarian cancer. In summary, based on the above information, this variant is classified as pathogenic.

Diagnostic Laboratory, Department of Genetics, University Medical Center Groningen
Classification: Pathogenic for Breast-ovarian cancer, familial, susceptibility to, 2. Review status: no assertion criteria provided. Collection method: clinical testing. Allele origin: germline. Affected: yes. Study: VKGL Data-share Consensus. Not counted in ClinVar's aggregate classification.

Laboratory of Diagnostic Genome Analysis, Leiden University Medical Center (LUMC)
Classification: Pathogenic. Review status: no assertion criteria provided. Collection method: clinical testing. Allele origin: germline. Affected: yes. Study: VKGL Data-share Consensus. Not counted in ClinVar's aggregate classification.

Literature cited by the submitters: PubMed 20104584 (cited by Labcorp Genetics (formerly Invitae), Labcorp and Diagnostics Centre, Carl Von Ossietzky University Oldenburg); PubMed 8988179 (cited by 5 submitters); PubMed 12955716 (cited by 6 submitters); PubMed 18465347 (cited by 3 submitters); PubMed 20683152 (cited by 6 submitters); PubMed 22144684 (cited by 8 submitters); PubMed 25863477 (cited by Labcorp Genetics (formerly Invitae), Labcorp and Quest Diagnostics Nichols Institute San Juan Capistrano); PubMed 36721989 (cited by Quest Diagnostics Nichols Institute San Juan Capistrano); PubMed 25381700 (cited by 3 submitters); PubMed 22798144 (cited by 4 submitters); PubMed 30322717 (cited by 3 submitters); PubMed 26360800 (cited by Quest Diagnostics Nichols Institute San Juan Capistrano and Ambry Genetics); PubMed 28577564 (cited by 4 submitters); PubMed 26295337 (cited by Quest Diagnostics Nichols Institute San Juan Capistrano); PubMed 26843898 (cited by 4 submitters); PubMed 27446417 (cited by Ambry Genetics); PubMed 28724667 (cited by Ambry Genetics); PubMed 16015582 (cited by All of Us Research Program, National Institutes of Health and Color Diagnostics, LLC DBA Color Health); PubMed 17100994 (cited by All of Us Research Program, National Institutes of Health and Color Diagnostics, LLC DBA Color Health); PubMed 21156238 (cited by All of Us Research Program, National Institutes of Health and Color Diagnostics, LLC DBA Color Health); PubMed 21324516 (cited by 4 submitters); PubMed 22739995 (cited by All of Us Research Program, National Institutes of Health and Color Diagnostics, LLC DBA Color Health); PubMed 22921157 (cited by All of Us Research Program, National Institutes of Health and Color Diagnostics, LLC DBA Color Health); PubMed 23479189 (cited by All of Us Research Program, National Institutes of Health and Color Diagnostics, LLC DBA Color Health); PubMed 24156927 (cited by All of Us Research Program, National Institutes of Health and Color Diagnostics, LLC DBA Color Health); PubMed 24549055 (cited by All of Us Research Program, National Institutes of Health and Color Diagnostics, LLC DBA Color Health); PubMed 25007954 (cited by All of Us Research Program, National Institutes of Health and Color Diagnostics, LLC DBA Color Health); PubMed 25777348 (cited by All of Us Research Program, National Institutes of Health and Color Diagnostics, LLC DBA Color Health); PubMed 29446198 (cited by All of Us Research Program, National Institutes of Health and Color Diagnostics, LLC DBA Color Health); PubMed 33471991 (cited by All of Us Research Program, National Institutes of Health and Color Diagnostics, LLC DBA Color Health); PubMed 34490083 (cited by All of Us Research Program, National Institutes of Health and Color Diagnostics, LLC DBA Color Health); PubMed 34645131 (cited by All of Us Research Program, National Institutes of Health and Color Diagnostics, LLC DBA Color Health); PubMed 19471317 (cited by Department of Pathology and Laboratory Medicine, Sinai Health System); PubMed 21120943 (cited by Department of Pathology and Laboratory Medicine, Sinai Health System); PubMed 28127413 (cited by Women's Health and Genetics/Laboratory Corporation of America, LabCorp); PubMed 19478387 (cited by 3 submitters); PubMed 23697973 (cited by University of Science and Technology Houari Boumediene, Laboratory of Molecular and Cellular Biology (LBCM)); PubMed 33726785 (cited by Diagnostics Centre, Carl Von Ossietzky University Oldenburg); PubMed 22217648 (cited by Diagnostics Centre, Carl Von Ossietzky University Oldenburg); PubMed 15131399 (cited by Counsyl).